The following is an entry in ClinVar:

NM_004360.5(CDH1):c.531+16C>A

Gene: CDH1 (cadherin 1; plus strand). Cytogenetic location: 16q22.1.
Variant type: single nucleotide variant.
Coding change: c.531+16C>A on transcript NM_004360.5 (MANE Select); 16 bases into the intron after coding-DNA position 531, C replaced by A.
Molecular consequence: intron variant.
Genome position (GRCh38, 1-based): chr16:68,808,583, C>A. VCF-style: chr16-68808583-C-A. GRCh37 (hg19) VCF-style: chr16-68842486-C-A.
Other names: c.531+16C>A (LRG_301t1, NM_001317184.2); c.-1085+16C>A (NM_001317185.2); c.-1289+16C>A (NM_001317186.2).
Identifiers: ClinVar variation 491547 (VCV000491547.7), dbSNP rs376565246, ClinGen allele CA8129875.

ClinVar aggregate classification (germline): Likely benign. Review status: criteria provided, multiple submitters, no conflicts (2 of 4 stars). 4 submissions from 4 submitters: Likely benign (4). Last evaluated 2025-03-04.

Conditions:
Hereditary cancer-predisposing syndrome. Also called: Tumor predisposition; Neoplastic Syndromes, Hereditary; Hereditary Cancer Syndrome; Hereditary neoplastic syndrome. Identifiers: Orphanet 140162, MedGen C0027672, MeSH D009386, MONDO:0015356.
Hereditary diffuse gastric adenocarcinoma (HDGC). Also called: DIFFUSE GASTRIC AND LOBULAR BREAST CANCER SYNDROME. Identifiers: Orphanet 26106, MedGen C1708349, MONDO:0007648, OMIM 137215.

Allele frequency attached by ClinVar (database versions not stated): gnomAD 0.00001; ExAC 0.00002; TOPMed 0.00005; ESP Exome Variant Server 0.00008.
gnomAD v4.1: 5 of 1,613,950 alleles (0.00031%); highest among the groups gnomAD compares: Non-Finnish European, 0.00034%; no homozygotes.

Submissions (4):

Center for Genomic Medicine, Rigshospitalet, Copenhagen University Hospital
Classification: Likely benign. Last evaluated: 2025-03-04. Review status: criteria provided, single submitter. Criteria: ACMG Guidelines, 2015. Collection method: clinical testing. Allele origin: germline.

Labcorp Genetics (formerly Invitae), Labcorp
Classification: Likely benign for Hereditary diffuse gastric adenocarcinoma. Last evaluated: 2024-11-04. Review status: criteria provided, single submitter. Criteria: Invitae Variant Classification Sherloc (09022015). Collection method: clinical testing. Allele origin: germline.

GeneDx
Classification: Likely benign. Last evaluated: 2017-10-31. Review status: criteria provided, single submitter. Criteria: GeneDx Variant Classification (06012015). Collection method: clinical testing. Allele origin: germline. Affected: yes.
Comment: This variant is considered likely benign or benign based on one or more of the following criteria: it is a conservative change, it occurs at a poorly conserved position in the protein, it is predicted to be benign by multiple in silico algorithms, and/or has population frequency not consistent with disease.

Color Diagnostics, LLC DBA Color Health
Classification: Likely benign for Hereditary cancer-predisposing syndrome. Last evaluated: 2017-05-04. Review status: criteria provided, single submitter. Criteria: ACMG Guidelines, 2015. Collection method: clinical testing. Allele origin: germline.